The following is an entry in ClinVar:

ClinVar aggregate classification (germline): Uncertain significance. Review status: criteria provided, multiple submitters, no conflicts (2 of 4 stars). 2 submissions from 2 submitters: Uncertain significance (2). Last evaluated 2025-04-24.

Conditions:
KSR2-related disorder. Also called: KSR2-related condition.

Allele frequency attached by ClinVar (database versions not stated): gnomAD exomes below 0.00001; TOPMed below 0.00001; ExAC 0.00001; gnomAD 0.00001.
gnomAD v4.1: 5 of 1,612,798 alleles (0.00031%); highest among the groups gnomAD compares: African/African-American, 0.0013%; no homozygotes.

Submissions (2):

Ambry Genetics
Classification: Uncertain significance. Last evaluated: 2025-04-24. Review status: criteria provided, single submitter. Criteria: Ambry Variant Classification Scheme 2023. Collection method: clinical testing. Allele origin: germline.

PreventionGenetics, part of Exact Sciences
Classification: Uncertain significance for KSR2-related condition. Last evaluated: 2023-06-15. Review status: criteria provided, single submitter. Criteria: ACMG Guidelines, 2015. Collection method: clinical testing. Allele origin: germline.
Comment: The KSR2 c.2147G>A variant is predicted to result in the amino acid substitution p.Arg716Gln. To our knowledge, this variant has not been reported in the literature. This variant is reported in 0.0047% of alleles in individuals of European (Finnish) descent in gnomAD. At this time, the clinical significance of this variant is uncertain due to the absence of conclusive functional and genetic evidence.

NM_173598.6(KSR2):c.2234G>A (p.Arg745Gln)

Gene: KSR2 (kinase suppressor of ras 2; minus strand). Cytogenetic location: 12q24.22.
Variant type: single nucleotide variant.
Coding change: c.2234G>A on transcript NM_173598.6 (MANE Select); coding-DNA position 2234, G replaced by A.
Protein change: p.Arg745Gln; replaces arginine 745 with glutamine.
Molecular consequence: missense variant.
Genome position (GRCh38, 1-based): chr12:117,485,677, C>T on the plus strand (G>A on the coding strand, the complement: KSR2 is on the minus strand). VCF-style: chr12-117485677-C-T. GRCh37 (hg19) VCF-style: chr12-117923482-C-T.
Other names: short protein forms R745Q.
Identifiers: ClinVar variation 2630530 (VCV002630530.2), dbSNP rs771225839, ClinGen allele CA6815778.
Genomic context (GRCh38, chr12:117,485,677, plus strand): 5'-TGCCTGGTTTTGTTGACATCCAAAACGATTTTGGCATCCCTCACAACGGAATAGAGCGTC[C>T]GTCCCTTACAGAGGCTGAAAAGCAAAAGGACAAGATAAATTAATGGCAGTCGTTCAGAAG-3'
Protein context (NP_775869.4, residues 735-755): LAIITSLCKG[Arg745Gln]TLYSVVRDAK